The following is an entry in ClinVar:

NM_000540.3(RYR1):c.13337T>A (p.Phe4446Tyr)

Genes: RYR1 (ryanodine receptor 1; plus strand), LOC130064357 (ATAC-STARR-seq lymphoblastoid silent region 10577; plus strand). Cytogenetic location: 19q13.2.
Variant type: single nucleotide variant.
Coding change: c.13337T>A on transcript NM_000540.3 (MANE Select); coding-DNA position 13337, T replaced by A.
Protein change: p.Phe4446Tyr; replaces phenylalanine 4446 with tyrosine.
Molecular consequence: missense variant.
Genome position (GRCh38, 1-based): chr19:38,565,671, T>A. VCF-style: chr19-38565671-T-A. GRCh37 (hg19) VCF-style: chr19-39056311-T-A.
Other names: c.13322T>A, p.Phe4441Tyr (NM_001042723.2); c.13337T>A (NM_000540.2); short protein forms F4441Y, F4446Y.
Identifiers: ClinVar variation 1063532 (VCV001063532.9), dbSNP rs1262128592, ClinGen allele CA405675087.

ClinVar aggregate classification (germline): Uncertain significance. Review status: criteria provided, multiple submitters, no conflicts (2 of 4 stars). 3 submissions from 3 submitters: Uncertain significance (3). Last evaluated 2026-09-10.

Conditions:
Inborn genetic diseases. Identifiers: MedGen C0950123, MeSH D030342.
RYR1-related disorder. Also called: RYR1-related condition; RYR1-related disorders. Identifiers: MedGen CN239331.
Malignant hyperthermia, susceptibility to, 1 (MHS1). Also called: Anesthesia related hyperthermia; Malignant hyperpyrexia; Fulminating hyperpyrexia; Pharmacogenic myopathy; Malignant hyperthermia suceptibility 1; RYR1-Related Malignant Hyperthermia Susceptibility. Identifiers: Orphanet 423, MedGen C2930980, MONDO:0007783, OMIM 145600.

Allele frequency attached by ClinVar (database versions not stated): gnomAD exomes 0.00001.
gnomAD v4.1: 18 of 1,391,052 alleles (0.0013%); highest among the groups gnomAD compares: Non-Finnish European, 0.0015%; no homozygotes.

Submissions (3):

Ambry Genetics
Classification: Uncertain significance for Inborn genetic diseases. Last evaluated: 2026-09-10. Review status: criteria provided, single submitter. Criteria: Ambry Variant Classification Scheme 2023. Collection method: clinical testing. Allele origin: germline.

All of Us Research Program, National Institutes of Health
Classification: Uncertain significance for Malignant hyperthermia, susceptibility to, 1. Last evaluated: 2024-03-05. Review status: criteria provided, single submitter. Criteria: ACMG Guidelines, 2015. Collection method: clinical testing. Allele origin: germline. Inheritance: Autosomal dominant inheritance. Observed: 1 variant allele, 1 heterozygote.
Comment: This study involves interpretation of variants in research participants for the purpose of population health screening. Participant phenotype was not available at the time of variant classification. Additional details can be found in publication PMID: 35346344, PMCID: PMC8962531

Labcorp Genetics (formerly Invitae), Labcorp
Classification: Uncertain significance for RYR1-related disorder. Last evaluated: 2021-11-04. Review status: criteria provided, single submitter. Criteria: Invitae Variant Classification Sherloc (09022015). Collection method: clinical testing. Allele origin: germline.
Comment: Advanced modeling of protein sequence and biophysical properties (such as structural, functional, and spatial information, amino acid conservation, physicochemical variation, residue mobility, and thermodynamic stability) performed at Invitae indicates that this missense variant is not expected to disrupt RYR1 protein function. ClinVar contains an entry for this variant (Variation ID: 1063532). This variant has not been reported in the literature in individuals affected with RYR1-related conditions. This variant is not present in population databases (gnomAD no frequency). This sequence change replaces phenylalanine, which is neutral and non-polar, with tyrosine, which is neutral and polar, at codon 4446 of the RYR1 protein (p.Phe4446Tyr). In summary, the available evidence is currently insufficient to determine the role of this variant in disease. Therefore, it has been classified as a Variant of Uncertain Significance.